The following is an entry in ClinVar:

NM_001127222.2(CACNA1A):c.2668G>C (p.Glu890Gln)

Gene: CACNA1A (calcium voltage-gated channel subunit alpha1 A; minus strand). Cytogenetic location: 19p13.13.
Variant type: single nucleotide variant.
Coding change: c.2668G>C on transcript NM_001127222.2 (MANE Select); coding-DNA position 2668, G replaced by C.
Protein change: p.Glu890Gln; replaces glutamic acid 890 with glutamine.
Molecular consequence: missense variant.
Genome position (GRCh38, 1-based): chr19:13,298,965, C>G on the plus strand (G>C on the coding strand, the complement: CACNA1A is on the minus strand). VCF-style: chr19-13298965-C-G. GRCh37 (hg19) VCF-style: chr19-13409779-C-G.
Other names: c.2680G>C, p.Glu894Gln (NM_000068.4, NM_023035.3); c.2671G>C, p.Glu891Gln (NM_001127221.2, NM_001174080.2); short protein forms E890Q, E894Q, E891Q.
Identifiers: ClinVar variation 2943351 (VCV002943351.3), dbSNP rs2057731812, ClinGen allele CA404342961.

ClinVar aggregate classification (germline): Uncertain significance (1 of 4 stars; one submission).

Conditions:
Episodic ataxia type 2 (EA2). Also called: CEREBELLAR ATAXIA, PAROXYSMAL, ACETAZOLAMIDE-RESPONSIVE; CEREBELLOPATHY, HEREDITARY PAROXYSMAL; EPISODIC ATAXIA, NYSTAGMUS-ASSOCIATED; ACETAZOLAMIDE-RESPONSIVE HEREDITARY PAROXYSMAL CEREBELLAR ATAXIA; ATAXIA, EPISODIC, WITH NYSTAGMUS; ATAXIA, FAMILIAL PAROXYSMAL. Identifiers: Orphanet 97, MedGen C1720416, MONDO:0007163, OMIM 108500.
Developmental and epileptic encephalopathy, 42 (DEE42A). Also called: Epileptic encephalopathy, early infantile, 42; DEVELOPMENTAL AND EPILEPTIC ENCEPHALOPATHY 42A; EPILEPTIC ENCEPHALOPATHY, EARLY INFANTILE, 42A. Identifiers: MedGen C4310716, MONDO:0014917, OMIM 617106.

Submission:

Labcorp Genetics (formerly Invitae), Labcorp
Classification: Uncertain significance for Developmental and epileptic encephalopathy, 42; Episodic ataxia type 2. Last evaluated: 2023-01-17. Review status: criteria provided, single submitter. Criteria: Invitae Variant Classification Sherloc (09022015). Collection method: clinical testing. Allele origin: germline.
Comment: In summary, the available evidence is currently insufficient to determine the role of this variant in disease. Therefore, it has been classified as a Variant of Uncertain Significance. This sequence change replaces glutamic acid, which is acidic and polar, with glutamine, which is neutral and polar, at codon 891 of the CACNA1A protein (p.Glu891Gln). This variant is not present in population databases (gnomAD no frequency). This variant has not been reported in the literature in individuals affected with CACNA1A-related conditions. Advanced modeling of protein sequence and biophysical properties (such as structural, functional, and spatial information, amino acid conservation, physicochemical variation, residue mobility, and thermodynamic stability) performed at Invitae indicates that this missense variant is not expected to disrupt CACNA1A protein function.